The following is an entry in ClinVar:

NM_000081.4(LYST):c.3644T>C (p.Leu1215Ser)

Gene: LYST (lysosomal trafficking regulator; minus strand). Cytogenetic location: 1q42.3.
Variant type: single nucleotide variant.
Coding change: c.3644T>C on transcript NM_000081.4 (MANE Select); coding-DNA position 3644, T replaced by C.
Protein change: p.Leu1215Ser; replaces leucine 1215 with serine.
Molecular consequence: missense variant.
Genome position (GRCh38, 1-based): chr1:235,802,976, A>G on the plus strand (T>C on the coding strand, the complement: LYST is on the minus strand). VCF-style: chr1-235802976-A-G. GRCh37 (hg19) VCF-style: chr1-235966276-A-G.
Other names: c.3644T>C, p.Leu1215Ser (NM_001301365.1); short protein forms L1215S.
Identifiers: ClinVar variation 959147 (VCV000959147.7), dbSNP rs913767220, ClinGen allele CA39614644.

ClinVar aggregate classification (germline): Uncertain significance. Review status: criteria provided, multiple submitters, no conflicts (2 of 4 stars). 2 submissions from 2 submitters: Uncertain significance (2). Last evaluated 2023-04-11.

Conditions:
LYST-related disorder. Also called: LYST-related condition.
Chédiak-Higashi syndrome (CHS). Also called: Chediak-Higashi Syndrome. Identifiers: Orphanet 167, MedGen C0007965, MONDO:0008963, OMIM 214500.

Allele frequency attached by ClinVar (database versions not stated): gnomAD exomes below 0.00001; gnomAD 0.00001; TOPMed 0.00003.
gnomAD v4.1: 3 of 1,613,416 alleles (0.00019%); highest among the groups gnomAD compares: African/African-American, 0.0027%; no homozygotes.

Submissions (2):

PreventionGenetics, part of Exact Sciences
Classification: Uncertain significance for LYST-related condition. Last evaluated: 2023-04-11. Review status: criteria provided, single submitter. Criteria: ACMG Guidelines, 2015. Collection method: clinical testing. Allele origin: germline.
Comment: The LYST c.3644T>C variant is predicted to result in the amino acid substitution p.Leu1215Ser. To our knowledge, this variant has not been reported in the literature or in a large population database, indicating this variant is rare. At this time, the clinical significance of this variant is uncertain due to the absence of conclusive functional and genetic evidence.

Labcorp Genetics (formerly Invitae), Labcorp
Classification: Uncertain significance for Chédiak-Higashi syndrome. Last evaluated: 2021-09-01. Review status: criteria provided, single submitter. Criteria: Invitae Variant Classification Sherloc (09022015). Collection method: clinical testing. Allele origin: germline.
Comment: This sequence change replaces leucine with serine at codon 1215 of the LYST protein (p.Leu1215Ser). The leucine residue is moderately conserved and there is a large physicochemical difference between leucine and serine. This variant is not present in population databases (ExAC no frequency). This variant has not been reported in the literature in individuals affected with LYST-related conditions. Algorithms developed to predict the effect of missense changes on protein structure and function are either unavailable or do not agree on the potential impact of this missense change (SIFT: "Deleterious"; PolyPhen-2: "Benign"; Align-GVGD: "Class C0"). In summary, the available evidence is currently insufficient to determine the role of this variant in disease. Therefore, it has been classified as a Variant of Uncertain Significance.